The following is an entry in ClinVar:

NM_001376.5(DYNC1H1):c.9815C>T (p.Ala3272Val)

Gene: DYNC1H1 (dynein cytoplasmic 1 heavy chain 1; plus strand). Cytogenetic location: 14q32.31.
Variant type: single nucleotide variant.
Coding change: c.9815C>T on transcript NM_001376.5 (MANE Select); coding-DNA position 9815, C replaced by T.
Protein change: p.Ala3272Val; replaces alanine 3272 with valine.
Molecular consequence: missense variant.
Genome position (GRCh38, 1-based): chr14:102,030,214, C>T. VCF-style: chr14-102030214-C-T. GRCh37 (hg19) VCF-style: chr14-102496551-C-T.
Other names: short protein forms A3272V.
Identifiers: ClinVar variation 1687584 (VCV001687584.1), dbSNP rs1255779162, ClinGen allele CA391018141.

ClinVar aggregate classification (germline): Uncertain significance (1 of 4 stars; one submission).

Conditions:
Charcot-Marie-Tooth disease axonal type 2O. Also called: Charcot-Marie-Tooth Neuropathy Type 2O; Charcot-Marie-Tooth disease, axonal, type 20; CHARCOT-MARIE-TOOTH NEUROPATHY, AXONAL, TYPE 2O; CHARCOT-MARIE-TOOTH DISEASE, AXONAL, AUTOSOMAL DOMINANT, TYPE 2O. Identifiers: Orphanet 284232, MedGen C3280220, MONDO:0013644, OMIM 614228.

Allele frequency attached by ClinVar (database versions not stated): TOPMed below 0.00001.

Submission:

3billion
Classification: Uncertain significance for Charcot-Marie-Tooth disease axonal type 2O. Last evaluated: 2022-05-22. Review status: criteria provided, single submitter. Criteria: ACMG Guidelines, 2015. Collection method: clinical testing. Allele origin: germline. Affected: yes. Observed: 1 heterozygote.
Comment: The variant is not observed in the gnomAD v2.1.1 dataset. Missense changes are a common disease-causing mechanism. Therefore, this variant is classified as uncertain significanceaccording to the recommendation of ACMG/AMP guideline.